The following is an entry in ClinVar:

NM_005267.5(GJA8):c.151G>A (p.Asp51Asn)

Gene: GJA8 (gap junction protein alpha 8; plus strand). Cytogenetic location: 1q21.2.
Variant type: single nucleotide variant.
Coding change: c.151G>A on transcript NM_005267.5 (MANE Select); coding-DNA position 151, G replaced by A.
Protein change: p.Asp51Asn; replaces aspartic acid 51 with asparagine.
Molecular consequence: missense variant.
Genome position (GRCh38, 1-based): chr1:147,908,106, G>A. VCF-style: chr1-147908106-G-A. GRCh37 (hg19) VCF-style: chr1-147380233-G-A.
Other names: short protein forms D51N.
Identifiers: ClinVar variation 217355 (VCV000217355.13), dbSNP rs864309703, ClinGen allele CA278823.
Genomic context (GRCh38, chr1:147,908,106, plus strand): 5'-ATCTTCCGGATCCTCATCCTTGGCACGGCCGCAGAGTTCGTGTGGGGGGATGAGCAATCC[G>A]ACTTCGTGTGCAACACCCAGCAGCCTGGCTGCGAGAACGTCTGCTACGACGAGGCCTTTC-3'
Protein context (NP_005258.2, residues 41-61): AEFVWGDEQS[Asp51Asn]FVCNTQQPGC

ClinVar aggregate classification (germline): Conflicting classifications of pathogenicity. Review status: criteria provided, conflicting classifications (1 of 4 stars). 6 submissions from 6 submitters: Pathogenic (3); Uncertain significance (1). 2 of the submissions do not count toward it. Last evaluated 2024-02-24.

Conditions:
Developmental cataract. Also called: Bilateral cataracts; Congenital cataracts; Congenital cataract. Identifiers: MedGen C0009691, HP:0000519.
acorea-microphthalmia-cataract syndrome.
Cataract 1 multiple types. Also called: CATARACT, DUFFY-LINKED; CATARACT 1, MULTIPLE TYPES, WITH OR WITHOUT MICROCORNEA; CATARACT 1, NUCLEAR PROGRESSIVE; CATARACT 1 WITH MICROCORNEA; CATARACT 1, POSTERIOR SUBCAPSULAR, WITH MICROCORNEA; CATARACT 1, STELLATE NUCLEAR, WITH MICROCORNEA. Identifiers: Orphanet 1377, MedGen C1861828, MONDO:0007285, OMIM 116200.

Submissions (6):

Labcorp Genetics (formerly Invitae), Labcorp
Classification: Pathogenic for Cataract 1 multiple types. Last evaluated: 2024-02-24. Review status: criteria provided, single submitter. Criteria: Invitae Variant Classification Sherloc (09022015). Collection method: clinical testing. Allele origin: germline.
Comment: This sequence change replaces aspartic acid, which is acidic and polar, with asparagine, which is neutral and polar, at codon 51 of the GJA8 protein (p.Asp51Asn). This variant is not present in population databases (gnomAD no frequency). This missense change has been observed in individual(s) with autosomal dominant cataract (PMID: 26694549, 29464339). In at least one individual the variant was observed to be de novo. ClinVar contains an entry for this variant (Variation ID: 217355). Advanced modeling of protein sequence and biophysical properties (such as structural, functional, and spatial information, amino acid conservation, physicochemical variation, residue mobility, and thermodynamic stability) performed at Invitae indicates that this missense variant is expected to disrupt GJA8 protein function with a positive predictive value of 80%. This variant disrupts the p.Asp51 amino acid residue in GJA8. Other variant(s) that disrupt this residue have been determined to be pathogenic (Invitae). This suggests that this residue is clinically significant, and that variants that disrupt this residue are likely to be disease-causing. For these reasons, this variant has been classified as Pathogenic.

Dept. Genetics and Cancer, Menzies Institute for Medical Research, University of Tasmania
Classification: Uncertain significance for Cataract 1 multiple types. Last evaluated: 2023-01-21. Review status: criteria provided, single submitter. Criteria: ACMG Guidelines, 2015. Collection method: curation. Allele origin: germline. Affected: yes.
Comment: Variant identified and curated during a GJA8 specific review of the literature in relation to pediatric or congenital cataract. ACMG-AMP criteria applied: PS4(Supporting), PM1(Supporting), PM2(Supporting), PM6(Supporting), PP3. Original variant report: PMID:26694549;29464339. Additional phenotype/s reported in these individual/s are: Microphthalmia, unilateral sclerocornea. Microphthalmia, anterior segment dysgenesis, persistent pupillary membrane. Microphthalmia, deep set eyes, corneal leukoma, buphthalmos, corectopia, nystagmus. Gene review and curation guidelines are outlined in: DOI 10.1080/17469899.2023.2160320

3billion
Classification: Pathogenic for Cataract 1 multiple types. Last evaluated: 2022-01-03. Review status: criteria provided, single submitter. Criteria: ACMG Guidelines, 2015. Collection method: clinical testing. Allele origin: germline. Affected: yes. Observed: 1 heterozygote.
Comment: The variant has been previously reported as de novo in a similarly affected individual (PMID: 26694549, PS2_S) A different missense change at the same codon has been reported as pathogenic/likely pathogenic with strong evidence (ClinVar ID: VCV000521485,VCV000574353, PM5_M). In silico tool predictions suggest damaging effect of the variant on gene or gene product (REVEL: 0.787, PP3_P). A missense variant is a common mechanism associated with Cataract 1 (PP2_P). It is not observed in the gnomAD v2.1.1 dataset (PM2_M).Therefore, this variant is classified as pathogenic according to the recommendation of ACMG/AMP guideline.

Revvity Omics, Revvity
Classification: Pathogenic for Cataract 1 multiple types. Last evaluated: 2021-05-10. Review status: criteria provided, single submitter. Criteria: ACMG Guidelines, 2015. Collection method: clinical testing. Allele origin: germline.

UOEH Ophthalmology lab, University Of Occupational  And Environmental Health, Japan
Classification: Pathogenic for acorea-microphthalmia-cataract syndrome. Last evaluated: 2023-07-07. Review status: no assertion criteria provided. Collection method: clinical testing. Allele origin: inherited. Inheritance: Autosomal dominant inheritance. Not counted in ClinVar's aggregate classification.
Comment: It provides a new screening target for prenatal diagnosis of familial acorea.

Eye Genetics Research Group, Children's Medical Research Institute
Classification: Likely pathogenic for Developmental cataract. Last evaluated: 2015-01-09. Review status: no assertion criteria provided. Collection method: research. Allele origin: de novo. Affected: yes. Not counted in ClinVar's aggregate classification.

Literature cited by the submitters: PubMed 26694549 (cited by 4 submitters); PubMed 29464339 (cited by Labcorp Genetics (formerly Invitae), Labcorp and Dept. Genetics and Cancer, Menzies Institute for Medical Research, University of Tasmania); PubMed 23832966 (cited by UOEH Ophthalmology lab, University Of Occupational  And Environmental Health, Japan).